The following is an entry in ClinVar:

ClinVar aggregate classification (germline): Uncertain significance (1 of 4 stars; one submission).

Conditions:
Hereditary cancer-predisposing syndrome. Also called: Neoplastic Syndromes, Hereditary; Tumor predisposition; Hereditary Cancer Syndrome; Hereditary neoplastic syndrome. Identifiers: Orphanet 140162, MedGen C0027672, MeSH D009386, MONDO:0015356.

Submission:

Ambry Genetics
Classification: Uncertain significance for Hereditary cancer-predisposing syndrome. Last evaluated: 2025-10-27. Review status: criteria provided, single submitter. Criteria: Ambry Variant Classification Scheme 2023. Collection method: clinical testing. Allele origin: germline.
Comment: The p.Y125C variant (also known as c.374A>G), located in coding exon 3 of the EGFR gene, results from an A to G substitution at nucleotide position 374. The tyrosine at codon 125 is replaced by cysteine, an amino acid with highly dissimilar properties. This amino acid position is conserved. In addition, this alteration is predicted to be deleterious by in silico analysis. Based on the available evidence, the clinical significance of this variant remains unclear.

NM_005228.5(EGFR):c.374A>G (p.Tyr125Cys)

Gene: EGFR (epidermal growth factor receptor; plus strand). Cytogenetic location: 7p11.2.
Variant type: single nucleotide variant.
Coding change: c.374A>G on transcript NM_005228.5 (MANE Select); coding-DNA position 374, A replaced by G.
Protein change: p.Tyr125Cys; replaces tyrosine 125 with cysteine.
Molecular consequence: missense variant. On other transcripts: intron variant (1).
Genome position (GRCh38, 1-based): chr7:55,143,438, A>G. VCF-style: chr7-55143438-A-G. GRCh37 (hg19) VCF-style: chr7-55211131-A-G.
Other names: c.374A>G, p.Tyr125Cys (NM_201283.2, NM_201284.2, NM_001346897.2 and 3 more transcripts); c.89-12392A>G (NM_001346941.2); c.215A>G, p.Tyr72Cys (NM_001346900.2); short protein forms Y72C, Y125C.
Identifiers: ClinVar variation 4639213 (VCV004639213.1).